The following is an entry in ClinVar:

ClinVar aggregate classification (germline): Likely pathogenic. Review status: criteria provided, multiple submitters, no conflicts (2 of 4 stars). 2 submissions from 2 submitters: Likely pathogenic (2). Last evaluated 2024-05-05.

Conditions:
Retinitis pigmentosa 39 (RP39). Identifiers: Orphanet 791, MedGen C3151138, MONDO:0013436, OMIM 613809.
Usher syndrome type 2A. Also called: RETINAL DISEASE IN USHER SYNDROME TYPE IIA, MODIFIER OF; USHER SYNDROME, TYPE IIA. Identifiers: Orphanet 231178, Orphanet 886, MedGen C1848634, MONDO:0010169, OMIM 276901.

Submissions (2):

Fulgent Genetics
Classification: Likely pathogenic for Usher syndrome type 2A; Retinitis pigmentosa 39. Last evaluated: 2024-05-05. Review status: criteria provided, single submitter. Criteria: ACMG Guidelines, 2015. Collection method: clinical testing. Allele origin: germline.

Labcorp Genetics (formerly Invitae), Labcorp
Classification: Likely pathogenic. Last evaluated: 2022-02-09. Review status: criteria provided, single submitter. Criteria: Invitae Variant Classification Sherloc (09022015). Collection method: clinical testing. Allele origin: germline.
Comment: Algorithms developed to predict the effect of sequence changes on RNA splicing suggest that this variant may disrupt the consensus splice site. ClinVar contains an entry for this variant (Variation ID: 958032). This variant has not been reported in the literature in individuals affected with USH2A-related conditions. This variant is not present in population databases (gnomAD no frequency). This sequence change affects a donor splice site in intron 11 of the USH2A gene. It is expected to disrupt RNA splicing. Variants that disrupt the donor or acceptor splice site typically lead to a loss of protein function (PMID: 16199547), and loss-of-function variants in USH2A are known to be pathogenic (PMID: 10729113, 10909849, 20507924, 25649381). In summary, the currently available evidence indicates that the variant is pathogenic, but additional data are needed to prove that conclusively. Therefore, this variant has been classified as Likely Pathogenic.

Literature cited by the submitters: PubMed 16199547 (cited by Labcorp Genetics (formerly Invitae), Labcorp); PubMed 10729113 (cited by Labcorp Genetics (formerly Invitae), Labcorp); PubMed 10909849 (cited by Labcorp Genetics (formerly Invitae), Labcorp); PubMed 20507924 (cited by Labcorp Genetics (formerly Invitae), Labcorp); PubMed 25649381 (cited by Labcorp Genetics (formerly Invitae), Labcorp).

NM_206933.4(USH2A):c.1971+1G>T

Gene: USH2A (usherin; minus strand). Cytogenetic location: 1q41.
Variant type: single nucleotide variant.
Coding change: c.1971+1G>T on transcript NM_206933.4 (MANE Select); the canonical splice donor site of the intron after coding-DNA position 1971, G replaced by T.
Molecular consequence: splice donor variant.
Genome position (GRCh38, 1-based): chr1:216,289,279, C>A on the plus strand (G>T on the coding strand, the complement: USH2A is on the minus strand). VCF-style: chr1-216289279-C-A. GRCh37 (hg19) VCF-style: chr1-216462621-C-A.
Other names: c.1971+1G>T (NM_007123.6).
Identifiers: ClinVar variation 958032 (VCV000958032.9), dbSNP rs2036950570, ClinGen allele CA344902125.